The following is an entry in ClinVar:

ClinVar aggregate classification (germline): Uncertain significance (1 of 4 stars; one submission).

gnomAD v4.1: 13 of 1,613,952 alleles (0.00081%); highest among the groups gnomAD compares: South Asian, 0.0022%; no homozygotes.

Submission:

Labcorp Genetics (formerly Invitae), Labcorp
Classification: Uncertain significance. Last evaluated: 2025-06-30. Review status: criteria provided, single submitter. Criteria: Invitae Variant Classification Sherloc (09022015). Collection method: clinical testing. Allele origin: germline.
Comment: This sequence change replaces tyrosine, which is neutral and polar, with cysteine, which is neutral and slightly polar, at codon 339 of the SLC25A3 protein (p.Tyr339Cys). This variant is present in population databases (rs762187869, gnomAD 0.006%). This variant has not been reported in the literature in individuals affected with SLC25A3-related conditions. An algorithm developed to predict the effect of missense changes on protein structure and function (PolyPhen-2) suggests that this variant is likely to be disruptive. In summary, the available evidence is currently insufficient to determine the role of this variant in disease. Therefore, it has been classified as a Variant of Uncertain Significance.

NM_002635.4(SLC25A3):c.1013A>G (p.Tyr338Cys)

Gene: SLC25A3 (solute carrier family 25 member 3; plus strand). Cytogenetic location: 12q23.1.
Variant type: single nucleotide variant.
Coding change: c.1013A>G on transcript NM_002635.4 (MANE Select); coding-DNA position 1013, A replaced by G.
Protein change: p.Tyr338Cys; replaces tyrosine 338 with cysteine.
Molecular consequence: missense variant.
Genome position (GRCh38, 1-based): chr12:98,601,455, A>G. VCF-style: chr12-98601455-A-G. GRCh37 (hg19) VCF-style: chr12-98995233-A-G.
Other names: c.1016A>G, p.Tyr339Cys (NM_005888.4); c.1013A>G, p.Tyr338Cys (NM_213611.3); short protein forms Y339C, Y338C.
Identifiers: ClinVar variation 4709362 (VCV004709362.1).